The following is an entry in ClinVar:

ClinVar aggregate classification (germline): Pathogenic/Likely pathogenic. Review status: criteria provided, multiple submitters, no conflicts (2 of 4 stars). 2 submissions from 2 submitters: Pathogenic (1); Likely pathogenic (1). Last evaluated 2025-01-09.

Conditions:
Autosomal recessive nonsyndromic hearing loss 12. Also called: DEAFNESS, AUTOSOMAL RECESSIVE 12. Identifiers: Orphanet 90636, MedGen C1832394, MONDO:0011067, OMIM 601386.

Submissions (2):

Institute of Rare Diseases, West China Hospital, Sichuan University
Classification: Pathogenic for Autosomal recessive nonsyndromic hearing loss 12. Last evaluated: 2025-01-09. Review status: criteria provided, single submitter. Criteria: ClinGen HL ACMG Specifications v1. Collection method: research. Allele origin: germline. Affected: yes.
Comment: PVS1;PM3;PM2_Supporting

Clinical Genetics Laboratory, Skane University Hospital Lund
Classification: Likely pathogenic. Last evaluated: 2022-05-27. Review status: criteria provided, single submitter. Criteria: ACMG Guidelines, 2015. Collection method: clinical testing. Allele origin: germline. Affected: yes.

NM_022124.6(CDH23):c.494dup (p.Ser166fs)

Gene: CDH23 (cadherin related 23; plus strand). Cytogenetic location: 10q22.1.
Variant type: Duplication.
Coding change: c.494dup on transcript NM_022124.6 (MANE Select); coding-DNA position 494, one base duplicated (G; older notation c.494dupG).
Protein change: p.Ser166fs; shifts the reading frame from serine 166.
Molecular consequence: frameshift variant.
Genome position (GRCh38, 1-based): chr10:71,566,806, G duplicated; the last of 5 consecutive G bases (chr10:71,566,802-71,566,806); duplicating any one gives the same sequence. VCF-style (leftmost placement, unchanged base first): chr10-71566801-A-AG. GRCh37 (hg19) VCF-style: chr10-73326558-A-AG.
Other names: c.494dup, p.Ser166fs (NM_001171930.2, NM_001171931.2, NM_001171932.2 and 1 more transcripts); short protein forms S166fs.
Identifiers: ClinVar variation 3337893 (VCV003337893.2).